The following continues an entry in ClinVar:

NM_000238.4(KCNH2):c.1882G>A (p.Gly628Ser)

Gene: KCNH2. ClinVar aggregate classification (germline): Pathogenic/Likely pathogenic. Pathogenic (12); Likely pathogenic (1).

Submissions 10 to 15 of 15:

Ambry Genetics
Classification: Pathogenic for Cardiovascular phenotype. Last evaluated: 2018-06-08. Review status: criteria provided, single submitter. Criteria: Ambry Variant Classification Scheme 2023. Collection method: clinical testing. Allele origin: germline.
Comment: The p.G628S pathogenic mutation (also known as c.1882G>A), located in coding exon 7 of the KCNH2 gene, results from a G to A substitution at nucleotide position 1882. The glycine at codon 628 is replaced by serine, an amino acid with similar properties. This alteration impacts the highly conserved ion selectivity filter (SVGFGN) located between transmembrane helices S5 and S6. This variant has been identified in numerous patients with long QT syndrome (LQTS) and was reported to be de novo in several of them (e.g., Curran ME et al. Cell. 1995;80:795-803; Lupoglazoff JM et al. J. Am. Coll. Cardiol. 2004;43:826-30; Millat G et al. Clin. Genet. 2006;70:214-27; Horigome H et al. Circ Arrhythm Electrophysiol, 2010;3:10-7; Crimmins S et al. J Clin Ultrasound. 2017;45:168-170). Multiple functional studies, including a mammalian model, suggest G628S leads to a loss of potassium selectivity, reduced channel function, and prolonged QT (Zhou Z et al. J. Biol. Chem. 1998;273:21061-6; Brunner M et al. J. Clin. Invest. 2008;118:2246-59; Es-Salah-Lamoureux Z et al. Biophys. J. 2011;101:662-70; Jou CJ et al. Circ. Res. 2013;112:826-30). In addition, internal structural analysis indicates that this variant disrupts the ion channel pore and is expected to eliminate the K+ selectivity of the K+ channel (Tao X et al. Science. 2009;326(5960):1668-74; Whorton MR and MacKinnon R. Cell. 2011;147(1):199-208; Ambry internal data). Based on the supporting evidence, this alteration is interpreted as a disease-causing mutation.

MVZ Martinsried, Medicover Genetics
Classification: Pathogenic for Long QT syndrome 2. Last evaluated: 2018-03-22. Review status: criteria provided, single submitter. Criteria: ACMG Guidelines, 2015. Collection method: clinical testing. Allele origin: unknown. Affected: yes.

GeneDx
Classification: Pathogenic. Last evaluated: 2016-02-25. Review status: criteria provided, single submitter. Criteria: GeneDx Variant Classification (06012015). Collection method: clinical testing. Allele origin: germline. Affected: yes.
Comment: The G628S pathogenic variant in the KCNH2 gene has been reported multiple times in association with LQTS, and was not seen in >1,369 healthy control individuals (Curran et al., 1995; Splawski et al., 2000; Shim et al., 2005; Anderson et al., 2006; Kapa et al., 2009; Giudicessi et al., 2012). Of note, G628S was identified as a de novo variant in a neonate presenting with fetal bradycardia, torsades de pointes, 2:1 atrioventricular block, a QTc of 544 ms, and heart failure; family history was negative and both parents had a normal QTc interval (Lupoglazoff et al., 2004). Furthermore, the G628S variant was not observed in approximately 6,500 individuals of European and African American ancestry in the NHLBI Exome Sequencing Project, indicating it is not a common benign variant in these populations. The G628S variant results in a non-conservative amino acid substitution of a non-polar Glycine residue with a polar Serine residue, at a position that is highly conserved and important for potassium ion selectivity (Curran et al., 1995). The G628S variant is located in the pore-forming domain of the protein and alters the selectivity filter motif (Curran et al., 1995). Multiple functional studies demonstrated that G628S results in a loss of potassium channel function (Anderson et al., 2006; Brunner et al., 2008; Ren et al., 2010). In summary, G628S in the KCNH2 gene is interpreted as a pathogenic variant.

Stanford Center for Inherited Cardiovascular Disease, Stanford University
Classification: Likely pathogenic. Last evaluated: 2013-11-15. Review status: criteria provided, single submitter. Criteria: ACMG Guidelines, 2015. Collection method: provider interpretation. Allele origin: germline.

OMIM
Classification: Pathogenic for LONG QT SYNDROME 2. Last evaluated: 1995-03-10. Review status: no assertion criteria provided. Collection method: literature only. Allele origin: germline. Not counted in ClinVar's aggregate classification.

Cardiovascular Biomedical Research Unit, Royal Brompton & Harefield NHS Foundation Trust
No classification provided. Condition: Familial long QT syndrome. Review status: no classification provided. Collection method: literature only. Allele origin: germline. Not counted in ClinVar's aggregate classification.
Comment: This variant has been reported as associated with Long QT syndrome in the following publications (PMID:7889573;PMID:10973849;PMID:11854117;PMID:14998624;PMID:15840476;PMID:16379539;PMID:16432067;PMID:16922724;PMID:18441445;PMID:18464931;PMID:19716085;PMID:19841300;PMID:20833965;PMID:21806934;PMID:9694858;PMID:22876326). This is a literature report, and does not necessarily reflect the clinical interpretation of the Imperial College / Royal Brompton Cardiovascular Genetics laboratory.

Literature cited by the submitters: PubMed 7889573 (cited by 6 submitters); PubMed 10973849 (cited by 5 submitters); PubMed 14998624 (cited by 5 submitters); PubMed 16922724 (cited by 5 submitters); PubMed 28676183 (cited by Dasa); PubMed 20479154 (cited by Dasa); PubMed 23303164 (cited by 3 submitters); PubMed 17088455 (cited by Labcorp Genetics (formerly Invitae), Labcorp); PubMed 22949429 (cited by 3 submitters); PubMed 8700910 (cited by Labcorp Genetics (formerly Invitae), Labcorp); PubMed 9694858 (cited by 3 submitters); PubMed 10753933 (cited by Victorian Clinical Genetics Services, Murdoch Childrens Research Institute); PubMed 19996378 (cited by Victorian Clinical Genetics Services, Murdoch Childrens Research Institute and Ambry Genetics); PubMed 20301308 (cited by Victorian Clinical Genetics Services, Murdoch Childrens Research Institute); PubMed 21777565 (cited by Victorian Clinical Genetics Services, Murdoch Childrens Research Institute); PubMed 25608792 (cited by Victorian Clinical Genetics Services, Murdoch Childrens Research Institute); PubMed 27492745 (cited by Victorian Clinical Genetics Services, Murdoch Childrens Research Institute and Ambry Genetics); PubMed 16379539 (cited by Illumina Laboratory Services, Illumina and Cardiovascular Biomedical Research Unit, Royal Brompton & Harefield NHS Foundation Trust); PubMed 19841300 (cited by Illumina Laboratory Services, Illumina and Cardiovascular Biomedical Research Unit, Royal Brompton & Harefield NHS Foundation Trust); PubMed 15840476 (cited by Ambry Genetics and Cardiovascular Biomedical Research Unit, Royal Brompton & Harefield NHS Foundation Trust); PubMed 16432067 (cited by Ambry Genetics and Cardiovascular Biomedical Research Unit, Royal Brompton & Harefield NHS Foundation Trust); PubMed 18464931 (cited by Ambry Genetics and Cardiovascular Biomedical Research Unit, Royal Brompton & Harefield NHS Foundation Trust); PubMed 19716085 (cited by Ambry Genetics and Cardiovascular Biomedical Research Unit, Royal Brompton & Harefield NHS Foundation Trust); PubMed 20833965 (cited by Ambry Genetics and Cardiovascular Biomedical Research Unit, Royal Brompton & Harefield NHS Foundation Trust); PubMed 21806934 (cited by Ambry Genetics and Cardiovascular Biomedical Research Unit, Royal Brompton & Harefield NHS Foundation Trust); PubMed 22876326 (cited by Ambry Genetics and Cardiovascular Biomedical Research Unit, Royal Brompton & Harefield NHS Foundation Trust); PubMed 23995044 (cited by Ambry Genetics); PubMed 11854117 (cited by Cardiovascular Biomedical Research Unit, Royal Brompton & Harefield NHS Foundation Trust); PubMed 18441445 (cited by Cardiovascular Biomedical Research Unit, Royal Brompton & Harefield NHS Foundation Trust); PubMed 22581653 (cited by Cardiovascular Biomedical Research Unit, Royal Brompton & Harefield NHS Foundation Trust).